The following is an entry in ClinVar:

NM_003442.6(ZNF143):c.646-7T>C

Gene: ZNF143 (zinc finger protein 143; plus strand). Cytogenetic location: 11p15.4.
Variant type: single nucleotide variant.
Coding change: c.646-7T>C on transcript NM_003442.6 (MANE Select); 7 bases into the intron before coding-DNA position 646, T replaced by C.
Molecular consequence: intron variant.
Genome position (GRCh38, 1-based): chr11:9,494,639, T>C. VCF-style: chr11-9494639-T-C. GRCh37 (hg19) VCF-style: chr11-9516186-T-C.
Other names: p.?; c.646-7T>C (NM_003442.5); c.643-7T>C (NM_001282656.2); c.553-7T>C (NM_001282657.2).
Identifiers: ClinVar variation 1280956 (VCV001280956.13), dbSNP rs12293264, ClinGen allele CA5879439.

ClinVar aggregate classification (germline): Benign. Review status: criteria provided, multiple submitters, no conflicts (2 of 4 stars). 5 submissions from 5 submitters: Benign (4). 1 of the submissions does not count toward it. Last evaluated 2026-01-27.

Conditions:
ZNF143-related disorder. Also called: ZNF143-related condition.

Allele frequency attached by ClinVar (database versions not stated): 1000 Genomes Project 30x 0.02920; gnomAD 0.05001 and 0.05020; 1000 Genomes Project 0.02935; ESP Exome Variant Server 0.05413; TOPMed 0.04532; gnomAD exomes 0.05699 and 0.07143; ExAC 0.06556.
gnomAD v4.1: 111,380 of 1,612,122 alleles (6.9%); highest among the groups gnomAD compares: South Asian, 8%; 4,414 homozygotes.

Submissions (5):

Labcorp Genetics (formerly Invitae), Labcorp
Classification: Benign. Last evaluated: 2026-01-27. Review status: criteria provided, single submitter. Criteria: Invitae Variant Classification Sherloc (09022015). Collection method: clinical testing. Allele origin: germline.

Mayo Clinic Laboratories, Mayo Clinic
Classification: Benign. Last evaluated: 2021-11-19. Review status: criteria provided, single submitter. Criteria: ACMG Guidelines, 2015. Collection method: clinical testing. Allele origin: germline. Observed: 22 variant alleles.

GeneDx
Classification: Benign. Last evaluated: 2021-05-05. Review status: criteria provided, single submitter. Criteria: GeneDx Variant Classification Process June 2021. Collection method: clinical testing. Allele origin: germline. Affected: yes.

Breakthrough Genomics
Classification: Benign. Review status: criteria provided, single submitter. Criteria: ACMG Guidelines, 2015. Collection method: not provided. Allele origin: germline. Inheritance: Unknown mechanism. Affected: yes.

PreventionGenetics, part of Exact Sciences
Classification: Benign for ZNF143-related condition. Last evaluated: 2019-12-03. Review status: no assertion criteria provided. Collection method: clinical testing. Allele origin: germline. Not counted in ClinVar's aggregate classification.
Comment: This variant is classified as benign based on ACMG/AMP sequence variant interpretation guidelines (Richards et al. 2015 PMID: 25741868, with internal and published modifications).